The following is an entry in ClinVar:

NM_025114.4(CEP290):c.974T>C (p.Ile325Thr)

Gene: CEP290 (centrosomal protein 290; minus strand). Cytogenetic location: 12q21.32.
Variant type: single nucleotide variant.
Coding change: c.974T>C on transcript NM_025114.4 (MANE Select); coding-DNA position 974, T replaced by C.
Protein change: p.Ile325Thr; replaces isoleucine 325 with threonine.
Molecular consequence: missense variant.
Genome position (GRCh38, 1-based): chr12:88,126,407, A>G on the plus strand (T>C on the coding strand, the complement: CEP290 is on the minus strand). VCF-style: chr12-88126407-A-G. GRCh37 (hg19) VCF-style: chr12-88520184-A-G.
Other names: short protein forms I325T.
Identifiers: ClinVar variation 570641 (VCV000570641.12), dbSNP rs769705837, ClinGen allele CA6712643.

ClinVar aggregate classification (germline): Uncertain significance. Review status: criteria provided, multiple submitters, no conflicts (2 of 4 stars). 5 submissions from 5 submitters: Uncertain significance (3). 2 of the submissions do not count toward it. Last evaluated 2026-01-05.

Conditions:
CEP290-related disorder. Also called: CEP290-related condition; CEP290-related disorders. Identifiers: MedGen CN239314.
Leber congenital amaurosis (LCA). Also called: Leber's amaurosis. Identifiers: Orphanet 65, MedGen C0339527, MeSH D057130, MONDO:0018998.
Meckel-Gruber syndrome. Also called: DYSENCEPHALIA SPLANCHNOCYSTICA; GRUBER SYNDROME; Dysencephalia splachnocystica. Identifiers: Orphanet 564, MedGen C0265215, MONDO:0018921.
Nephronophthisis. Also called: Juvenile Nephronophthisis. Identifiers: Orphanet 655, MedGen C0687120, MONDO:0019005, HP:0000090.
Joubert syndrome. Also called: JOUBERT-BOLTSHAUSER SYNDROME; Familial aplasia of the vermis. Identifiers: Orphanet 475, MedGen C5979921, MONDO:0018772.
Senior-Loken syndrome 6 (SLSN6). Identifiers: Orphanet 3156, MedGen C1857779, MONDO:0012433, OMIM 610189.
Bardet-Biedl syndrome 14 (BBS14). Identifiers: Orphanet 110, MedGen C2673874, MONDO:0014442, OMIM 615991.
Meckel syndrome, type 4 (MKS4). Also called: MECKEL-GRUBER SYNDROME, TYPE 4. Identifiers: Orphanet 564, MedGen C1970161, MONDO:0012626, OMIM 611134.
Joubert syndrome 5 (JBTS5). Identifiers: Orphanet 2318, MedGen C1857780, MONDO:0012432, OMIM 610188.
Leber congenital amaurosis 10 (LCA10). Identifiers: Orphanet 65, MedGen C1857821, MONDO:0012723, OMIM 611755.

Allele frequency attached by ClinVar (database versions not stated): gnomAD exomes 0.00006 and 0.00013; gnomAD 0.00007 and 0.00008; TOPMed 0.00009; ExAC 0.00012.
gnomAD v4.1: 185 of 1,514,916 alleles (0.012%); highest among the groups gnomAD compares: Non-Finnish European, 0.016%; no homozygotes.

Submissions (5):

Labcorp Genetics (formerly Invitae), Labcorp
Classification: Uncertain significance for Joubert syndrome; Meckel-Gruber syndrome; Nephronophthisis. Last evaluated: 2026-01-05. Review status: criteria provided, single submitter. Criteria: Invitae Variant Classification Sherloc (09022015). Collection method: clinical testing. Allele origin: germline.
Comment: This sequence change replaces isoleucine, which is neutral and non-polar, with threonine, which is neutral and polar, at codon 325 of the CEP290 protein (p.Ile325Thr). This variant is present in population databases (rs769705837, gnomAD 0.01%). This variant has not been reported in the literature in individuals affected with CEP290-related conditions. ClinVar contains an entry for this variant (Variation ID: 570641). Invitae Evidence Modeling of protein sequence and biophysical properties (such as structural, functional, and spatial information, amino acid conservation, physicochemical variation, residue mobility, and thermodynamic stability) indicates that this missense variant is not expected to disrupt CEP290 protein function with a negative predictive value of 80%. In summary, the available evidence is currently insufficient to determine the role of this variant in disease. Therefore, it has been classified as a Variant of Uncertain Significance.

Blueprint Genetics
Classification: Uncertain significance. Last evaluated: 2024-09-03. Review status: criteria provided, single submitter. Criteria: ACMG Guidelines, 2015. Collection method: clinical testing. Allele origin: germline.

Fulgent Genetics
Classification: Uncertain significance for Joubert syndrome 5; Senior-Loken syndrome 6; Meckel syndrome, type 4; Leber congenital amaurosis 10; Bardet-Biedl syndrome 14. Last evaluated: 2024-05-24. Review status: criteria provided, single submitter. Criteria: ACMG Guidelines, 2015. Collection method: clinical testing. Allele origin: germline.

PreventionGenetics, part of Exact Sciences
Classification: Uncertain significance for CEP290-related condition. Last evaluated: 2024-03-26. Review status: no assertion criteria provided. Collection method: clinical testing. Allele origin: germline. Not counted in ClinVar's aggregate classification.
Comment: The CEP290 c.974T>C variant is predicted to result in the amino acid substitution p.Ile325Thr. To our knowledge, this variant has not been reported in the literature. This variant is reported in 0.011% of alleles in individuals of European (Non-Finnish) descent in gnomAD. At this time, the clinical significance of this variant is uncertain due to the absence of conclusive functional and genetic evidence.

Natera, Inc.
Classification: Uncertain significance for Leber congenital amaurosis. Last evaluated: 2020-04-17. Review status: no assertion criteria provided. Collection method: clinical testing. Allele origin: germline. Not counted in ClinVar's aggregate classification.